The following is an entry in ClinVar:

ClinVar aggregate classification (germline): Likely pathogenic (1 of 4 stars; one submission).

Conditions:
Rhizomelic chondrodysplasia punctata type 3 (RCDP3). Also called: ALKYLDIHYDROXYACETONEPHOSPHATE SYNTHASE DEFICIENCY; Alkylglycerone Phosphate Synthase (AGPS) deficiency. Identifiers: Orphanet 177, Orphanet 309803, MedGen C1838612, MONDO:0010823, OMIM 600121. Disease mechanism: loss of function.

Submission:

Natera, Inc.
Classification: Likely pathogenic for Rhizomelic chondrodysplasia punctata, type 3. Last evaluated: 2024-05-01. Review status: criteria provided, single submitter. Criteria: Natera Variant Classification Schema (03/2026). Collection method: clinical testing. Allele origin: germline.
Comment: The c.815delA variant in AGPS is a frameshift variant predicted to shift the reading frame beginning at codon 272 and leads to a stop codon 3 codons downstream. This variant is expected to result in nonsense mediated decay, truncation, or a dysfunctional protein product. This variant is rare in the general population with a frequency below the threshold expected for the associated phenotype(s). Given the available evidence, this variant is classified as Likely Pathogenic.

NM_003659.4(AGPS):c.815del (p.Asn272fs)

Gene: AGPS (alkylglycerone phosphate synthase; plus strand). Cytogenetic location: 2q31.2.
Variant type: Deletion.
Coding change: c.815del on transcript NM_003659.4 (MANE Select); coding-DNA position 815, one base deleted (A; older notation c.815delA).
Protein change: p.Asn272fs; shifts the reading frame from asparagine 272.
Molecular consequence: frameshift variant.
Genome position (GRCh38, 1-based): chr2:177,445,571, A deleted; the last of 2 consecutive A bases (chr2:177,445,570-177,445,571); deleting either gives the same sequence. VCF-style (leftmost placement, unchanged base first): chr2-177445569-GA-G. GRCh37 (hg19) VCF-style: chr2-178310297-GA-G.
Other names: short protein forms N272fs.
Identifiers: ClinVar variation 4815256 (VCV004815256.1).
Genomic context (GRCh38, chr2:177,445,569, plus strand): 5'-TTCCTGGAGATCAGATTTCTTTCTTCCTTTGCAACAGAATCGAATTCTCTGGGTTGATGA[GA>G]ACAATTTGACAGCTCATGTAGAGGCTGGCATAACAGGACAAGAGTTGGAAAGACAGGTAT-3'